The following is an entry in ClinVar:

ClinVar aggregate classification (germline): Conflicting classifications of pathogenicity. Review status: criteria provided, conflicting classifications (1 of 4 stars). 5 submissions from 5 submitters: Pathogenic (2); Uncertain significance (1). 2 of the submissions do not count toward it. Last evaluated 2024-07-30.

Conditions:
Congenital defect of folate absorption. Also called: Hereditary Folate Malabsorption. Identifiers: Orphanet 90045, MedGen C0342705, MONDO:0009238, OMIM 229050.

Allele frequency attached by ClinVar (database versions not stated): TOPMed 0.00002; gnomAD exomes 0.00001; gnomAD 0.00003; ExAC 0.00001.
gnomAD v4.1: 16 of 1,613,470 alleles (0.00099%); highest among the groups gnomAD compares: Admixed American, 0.0017%; no homozygotes.

Submissions (5):

3billion
Classification: Pathogenic for Congenital defect of folate absorption. Last evaluated: 2024-07-30. Review status: criteria provided, single submitter. Criteria: ACMG Guidelines, 2015. Collection method: clinical testing. Allele origin: germline. Affected: yes.
Comment: The variant is observed at an extremely low frequency in the gnomAD v4.0.0 dataset (total allele frequency: <0.001%). Functional studies provide strong evidence of the variant having a damaging effect on the gene or gene product (PMID: 20686069). In silico tool predictions suggest damaging effect of the variant on gene or gene product [REVEL: 0.73 (>=0.6, sensitivity 0.68 and specificity 0.92)]. The same nucleotide change resulting in the same amino acid change has been previously reported as pathogenic/likely pathogenic with strong evidence (ClinVar ID: VCV000065749). The variant has been observed in at least two similarly affected unrelated individuals (PMID: 20686069 / 3billion dataset). A different missense change at the same codon (p.Arg376Trp) has been reported to be associated with SLC46A1-related disorder (ClinVar ID: VCV000000854 / PMID: 17446347). Therefore, this variant is classified as pathogenic according to the recommendation of ACMG/AMP guideline.

Labcorp Genetics (formerly Invitae), Labcorp
Classification: Uncertain significance. Last evaluated: 2022-10-24. Review status: criteria provided, single submitter. Criteria: Invitae Variant Classification Sherloc (09022015). Collection method: clinical testing. Allele origin: germline.
Comment: This sequence change replaces arginine, which is basic and polar, with glutamine, which is neutral and polar, at codon 376 of the SLC46A1 protein (p.Arg376Gln). The frequency data for this variant in the population databases is considered unreliable, as metrics indicate poor data quality at this position in the gnomAD database. This missense change has been observed in individual(s) with autosomal recessive hereditary folate malabsorption (PMID: 21489556). ClinVar contains an entry for this variant (Variation ID: 65749). Advanced modeling of protein sequence and biophysical properties (such as structural, functional, and spatial information, amino acid conservation, physicochemical variation, residue mobility, and thermodynamic stability) performed at Invitae indicates that this missense variant is not expected to disrupt SLC46A1 protein function. Experimental studies have shown that this missense change affects SLC46A1 function (PMID: 20686069). This variant disrupts the p.Arg376 amino acid residue in SLC46A1. Other variant(s) that disrupt this residue have been observed in individuals with SLC46A1-related conditions (PMID: 17446347), which suggests that this may be a clinically significant amino acid residue. In summary, the available evidence is currently insufficient to determine the role of this variant in disease. Therefore, it has been classified as a Variant of Uncertain Significance.

Victorian Clinical Genetics Services, Murdoch Childrens Research Institute
Classification: Pathogenic for Congenital defect of folate absorption. Last evaluated: 2022-06-24. Review status: criteria provided, single submitter. Criteria: ACMG Guidelines, 2015. Collection method: clinical testing. Allele origin: germline. Inheritance: Autosomal recessive inheritance. Affected: yes.
Comment: Based on the classification scheme VCGS_Germline_v1.3.4, this variant is classified as Pathogenic. Following criteria are met: 0102 - Loss of function is a known mechanism of disease in this gene and is associated with hereditary folate malabsorption (MIM#229050). (I) 0106 - This gene is associated with autosomal recessive disease. (I) 0200 - Variant is predicted to result in a missense amino acid change from arginine to glutamine. (I) 0251 - This variant is heterozygous. (I) 0304 - Variant is present in gnomAD <0.01 for a recessive condition (v2: 5 heterozygotes, 0 homozygotes). (SP) 0309 - An alternative amino acid change at the same position has been observed in gnomAD (v3: 9 heterozygotes, 0 homozygotes). (I) 0502 - Missense variant with conflicting in silico predictions and high conservation. (I) 0601 - Variant is located in the well-established functional 10th transmembrane domain. This residue is crucial for folate uptake (PMID: 20686069). (SP) 0703 - Another missense variant comparable to the one identified in this case has moderate previous evidence for pathogenicity. p.(Arg376Trp) has been reported in at least two other individuals with hereditary folate malabsorption (PMID: 27664775). (SP) 0803 - This variant has limited previous evidence of pathogenicity in unrelated individuals. It has been reported in two homozygotes with hereditary folate malabsorption (ClinVar, PMID: 20686069). (SP) 0905 - No published segregation evidence has been identified for this variant. (I) 1002 - This variant has moderate functional evidence supporting abnormal protein function. In vitro studies using transfected cells demonstrated impaired folate uptake (PMID: 20686069). (I) Legend: (SP) - Supporting pathogenic, (I) - Information, (SB) - Supporting benign

GeneReviews
No classification provided. Condition: Congenital defect of folate absorption. Review status: no classification provided. Collection method: literature only. Allele origin: germline. Not counted in ClinVar's aggregate classification.

UniProtKB/Swiss-Prot
No classification provided. Review status: no classification provided. Collection method: not provided. Allele origin: not provided. Not counted in ClinVar's aggregate classification.

Literature cited by the submitters: PubMed 21489556 (cited by Labcorp Genetics (formerly Invitae), Labcorp); PubMed 20686069 (cited by Labcorp Genetics (formerly Invitae), Labcorp and Victorian Clinical Genetics Services, Murdoch Childrens Research Institute); PubMed 17446347 (cited by Labcorp Genetics (formerly Invitae), Labcorp); PubMed 27664775 (cited by Victorian Clinical Genetics Services, Murdoch Childrens Research Institute); NCBI Bookshelf NBK1673 (cited by GeneReviews); PubMed 20301716 (cited by GeneReviews).

NM_080669.6(SLC46A1):c.1127G>A (p.Arg376Gln)

Genes: SARM1 (sterile alpha and TIR motif containing 1; plus strand), SLC46A1 (solute carrier family 46 member 1; minus strand). Cytogenetic location: 17q11.2.
Variant type: single nucleotide variant.
Coding change: c.1127G>A on transcript NM_080669.6 (MANE Select); coding-DNA position 1127, G replaced by A.
Protein change: p.Arg376Gln; replaces arginine 376 with glutamine.
Molecular consequence: missense variant. On other transcripts: 3 prime UTR variant (1), intron variant (1).
Genome position (GRCh38, 1-based): chr17:28,402,276, C>T on the plus strand (G>A on the coding strand, the complement: SLC46A1 is on the minus strand). VCF-style: chr17-28402276-C-T. GRCh37 (hg19) VCF-style: chr17-26729294-C-T.
Other names: c.1127G>A (NM_080669.5); c.*5990C>T (NM_015077.4); c.1082-1510G>A (NM_001242366.3); short protein forms R376Q.
Identifiers: ClinVar variation 65749 (VCV000065749.7), dbSNP rs281875211, ClinGen allele CA026497.